The following is an entry in ClinVar:

ClinVar aggregate classification (germline): Likely benign. Review status: criteria provided, multiple submitters, no conflicts (2 of 4 stars). 3 submissions from 3 submitters: Likely benign (3). Last evaluated 2025-12-22.

Conditions:
Hereditary cancer-predisposing syndrome. Also called: Neoplastic Syndromes, Hereditary; Tumor predisposition; Hereditary Cancer Syndrome; Hereditary neoplastic syndrome. Identifiers: Orphanet 140162, MedGen C0027672, MeSH D009386, MONDO:0015356.

Allele frequency attached by ClinVar (database versions not stated): gnomAD exomes below 0.00001; ExAC 0.00001; gnomAD 0.00001; 1000 Genomes Project 30x 0.00016; 1000 Genomes Project 0.00020.
gnomAD v4.1: 5 of 1,614,150 alleles (0.00031%); highest among the groups gnomAD compares: African/African-American, 0.0053%; no homozygotes.

Submissions (3):

Labcorp Genetics (formerly Invitae), Labcorp
Classification: Likely benign. Last evaluated: 2025-12-22. Review status: criteria provided, single submitter. Criteria: Invitae Variant Classification Sherloc (09022015). Collection method: clinical testing. Allele origin: germline.

GeneDx
Classification: Likely benign. Last evaluated: 2018-02-02. Review status: criteria provided, single submitter. Criteria: GeneDx Variant Classification (06012015). Collection method: clinical testing. Allele origin: germline. Affected: yes.
Comment: This variant is considered likely benign or benign based on one or more of the following criteria: it is a conservative change, it occurs at a poorly conserved position in the protein, it is predicted to be benign by multiple in silico algorithms, and/or has population frequency not consistent with disease.

Ambry Genetics
Classification: Likely benign for Hereditary cancer-predisposing syndrome. Last evaluated: 2016-03-22. Review status: criteria provided, single submitter. Criteria: Ambry Variant Classification Scheme 2023. Collection method: clinical testing. Allele origin: germline.

NM_006231.4(POLE):c.3333G>A (p.Arg1111=)

Gene: POLE (DNA polymerase epsilon, catalytic subunit; minus strand). Cytogenetic location: 12q24.33.
Variant type: single nucleotide variant.
Coding change: c.3333G>A on transcript NM_006231.4 (MANE Select); coding-DNA position 3333, G replaced by A.
Protein change: p.Arg1111=; no amino-acid change (arginine 1111 retained).
Molecular consequence: synonymous variant.
Genome position (GRCh38, 1-based): chr12:132,657,913, C>T on the plus strand (G>A on the coding strand, the complement: POLE is on the minus strand). VCF-style: chr12-132657913-C-T. GRCh37 (hg19) VCF-style: chr12-133234499-C-T.
Identifiers: ClinVar variation 484508 (VCV000484508.14), dbSNP rs200319525, ClinGen allele CA6893274.